The following is an entry in ClinVar:

ClinVar aggregate classification (germline): Uncertain significance. Review status: criteria provided, multiple submitters, no conflicts (2 of 4 stars). 2 submissions from 2 submitters: Uncertain significance (2). Last evaluated 2026-06-23.

Conditions:
NEFH-related disorder. Also called: NEFH-related condition.

Allele frequency attached by ClinVar (database versions not stated): gnomAD exomes below 0.00001.
gnomAD v4.1: 17 of 1,532,402 alleles (0.0011%); highest among the groups gnomAD compares: African/African-American, 0.022%; no homozygotes.

Submissions (2):

PreventionGenetics, part of Exact Sciences
Classification: Uncertain significance for NEFH-related condition. Last evaluated: 2026-06-23. Review status: criteria provided, single submitter. Criteria: ACMG Guidelines, 2015. Collection method: clinical testing. Allele origin: germline.
Comment: The NEFH c.158C>T variant is predicted to result in the amino acid substitution p.Thr53Met. This variant has been reported in one control sample in a case-control study of sporadic amyotrophic lateral sclerosis in Chinese subjects (Table 2, Lin et al. 2021. PubMed ID: 34511133). To our knowledge, this variant has not been reported in the literature. This variant is reported in 0.0068% of alleles in individuals of African descent in gnomAD. At this time, the clinical significance of this variant is uncertain due to the absence of conclusive functional and genetic evidence.

Labcorp Genetics (formerly Invitae), Labcorp
Classification: Uncertain significance. Last evaluated: 2024-03-12. Review status: criteria provided, single submitter. Criteria: Invitae Variant Classification Sherloc (09022015). Collection method: clinical testing. Allele origin: germline.
Comment: This sequence change replaces threonine, which is neutral and polar, with methionine, which is neutral and non-polar, at codon 53 of the NEFH protein (p.Thr53Met). This variant is present in population databases (rs772280985, gnomAD 0.007%). This variant has not been reported in the literature in individuals affected with NEFH-related conditions. ClinVar contains an entry for this variant (Variation ID: 2167837). Advanced modeling of protein sequence and biophysical properties (such as structural, functional, and spatial information, amino acid conservation, physicochemical variation, residue mobility, and thermodynamic stability) performed at Invitae indicates that this missense variant is not expected to disrupt NEFH protein function with a negative predictive value of 95%. In summary, the available evidence is currently insufficient to determine the role of this variant in disease. Therefore, it has been classified as a Variant of Uncertain Significance.

NM_021076.4(NEFH):c.158C>T (p.Thr53Met)

Gene: NEFH (neurofilament heavy chain; plus strand). Cytogenetic location: 22q12.2.
Variant type: single nucleotide variant.
Coding change: c.158C>T on transcript NM_021076.4 (MANE Select); coding-DNA position 158, C replaced by T.
Protein change: p.Thr53Met; replaces threonine 53 with methionine.
Molecular consequence: missense variant.
Genome position (GRCh38, 1-based): chr22:29,480,420, C>T. VCF-style: chr22-29480420-C-T. GRCh37 (hg19) VCF-style: chr22-29876409-C-T.
Other names: c.158C>T (NM_021076.3); short protein forms T53M.
Identifiers: ClinVar variation 2167837 (VCV002167837.5), dbSNP rs772280985, ClinGen allele CA10173975.
Genomic context (GRCh38, chr22:29,480,420, plus strand): 5'-GCGCAGGCGGGACGCGCTCCGCCGCTGGCTCCTCCAGCGGCTTCCACTCGTGGACACGGA[C>T]GTCCGTGAGCTCCGTGTCCGCCTCGCCCAGCCGCTTCCGTGGCGCAGGCGCCGCCTCAAG-3'
Protein context (NP_066554.2, residues 43-63): SSSGFHSWTR[Thr53Met]SVSSVSASPS